The following is an entry in ClinVar:

ClinVar aggregate classification (germline): Uncertain significance (1 of 4 stars; one submission).

Conditions:
Familial temporal lobe epilepsy 7. Identifiers: Orphanet 101046, MedGen C4225327, MONDO:0014639, OMIM 616436.
Norman-Roberts syndrome (LIS2). Also called: Lissencephaly 2 (Norman-Roberts type). Identifiers: Orphanet 89844, MedGen C0796089, MONDO:0009760, OMIM 257320.

Submission:

Labcorp Genetics (formerly Invitae), Labcorp
Classification: Uncertain significance for Familial temporal lobe epilepsy 7; Norman-Roberts syndrome. Last evaluated: 2022-08-12. Review status: criteria provided, single submitter. Criteria: Invitae Variant Classification Sherloc (09022015). Collection method: clinical testing. Allele origin: germline.
Comment: In summary, the available evidence is currently insufficient to determine the role of this variant in disease. Therefore, it has been classified as a Variant of Uncertain Significance. Algorithms developed to predict the effect of missense changes on protein structure and function are either unavailable or do not agree on the potential impact of this missense change (SIFT: "Deleterious"; PolyPhen-2: "Benign"; Align-GVGD: "Class C0"). This sequence change replaces cysteine, which is neutral and slightly polar, with tyrosine, which is neutral and polar, at codon 222 of the RELN protein (p.Cys222Tyr). This variant is not present in population databases (gnomAD no frequency). This variant has not been reported in the literature in individuals affected with RELN-related conditions.

NM_005045.4(RELN):c.665G>A (p.Cys222Tyr)

Gene: RELN (reelin; minus strand). Cytogenetic location: 7q22.1.
Variant type: single nucleotide variant.
Coding change: c.665G>A on transcript NM_005045.4 (MANE Select); coding-DNA position 665, G replaced by A.
Protein change: p.Cys222Tyr; replaces cysteine 222 with tyrosine.
Molecular consequence: missense variant.
Genome position (GRCh38, 1-based): chr7:103,728,199, C>T on the plus strand (G>A on the coding strand, the complement: RELN is on the minus strand). VCF-style: chr7-103728199-C-T. GRCh37 (hg19) VCF-style: chr7-103368646-C-T.
Other names: c.665G>A, p.Cys222Tyr (NM_173054.3); short protein forms C222Y.
Identifiers: ClinVar variation 1714829 (VCV001714829.5), dbSNP rs2484996415, ClinGen allele CA368929305.